The following is an entry in ClinVar:

ClinVar aggregate classification (germline): Uncertain significance (1 of 4 stars; one submission).

Conditions:
Hereditary cancer-predisposing syndrome. Also called: Neoplastic Syndromes, Hereditary; Hereditary Cancer Syndrome; Hereditary neoplastic syndrome; Tumor predisposition. Identifiers: Orphanet 140162, MedGen C0027672, MeSH D009386, MONDO:0015356.

Submission:

Ambry Genetics
Classification: Uncertain significance for Hereditary cancer-predisposing syndrome. Last evaluated: 2023-04-23. Review status: criteria provided, single submitter. Criteria: Ambry Variant Classification Scheme 2023. Collection method: clinical testing. Allele origin: germline.
Comment: The p.D632G variant (also known as c.1895A>G), located in coding exon 15 of the POT1 gene, results from an A to G substitution at nucleotide position 1895. The aspartic acid at codon 632 is replaced by glycine, an amino acid with similar properties. This amino acid position is conserved. In addition, the in silico prediction for this alteration is inconclusive. Since supporting evidence is limited at this time, the clinical significance of this alteration remains unclear.

NM_015450.3(POT1):c.1895A>G (p.Asp632Gly)

Gene: POT1 (protection of telomeres 1; minus strand). Cytogenetic location: 7q31.33.
Variant type: single nucleotide variant.
Coding change: c.1895A>G on transcript NM_015450.3 (MANE Select); coding-DNA position 1895, A replaced by G.
Protein change: p.Asp632Gly; replaces aspartic acid 632 with glycine.
Molecular consequence: missense variant. On other transcripts: non-coding transcript variant (3).
Genome position (GRCh38, 1-based): chr7:124,823,972, T>C on the plus strand (A>G on the coding strand, the complement: POT1 is on the minus strand). VCF-style: chr7-124823972-T-C. GRCh37 (hg19) VCF-style: chr7-124464026-T-C.
Other names: c.1502A>G, p.Asp501Gly (NM_001042594.2); short protein forms D632G, D501G.
Identifiers: ClinVar variation 2565249 (VCV002565249.2), dbSNP rs2485332591, ClinGen allele CA369061066.